The following is an entry in ClinVar:

NM_001039348.3(EFEMP1):c.1047G>C (p.Met349Ile)

Gene: EFEMP1 (EGF-like fibulin extracellular matrix protein 1; minus strand). Cytogenetic location: 2p16.1.
Variant type: single nucleotide variant.
Coding change: c.1047G>C on transcript NM_001039348.3 (MANE Select); coding-DNA position 1047, G replaced by C.
Protein change: p.Met349Ile; replaces methionine 349 with isoleucine.
Molecular consequence: missense variant.
Genome position (GRCh38, 1-based): chr2:55,871,077, C>G on the plus strand (G>C on the coding strand, the complement: EFEMP1 is on the minus strand). VCF-style: chr2-55871077-C-G. GRCh37 (hg19) VCF-style: chr2-56098212-C-G.
Other names: c.1047G>C, p.Met349Ile (NM_001039349.3); short protein forms M349I.
Identifiers: ClinVar variation 2729966 (VCV002729966.3), dbSNP rs1181963582, ClinGen allele CA347028421.

ClinVar aggregate classification (germline): Uncertain significance (1 of 4 stars; one submission).

gnomAD v4.1: 1 of 1,613,730 alleles (0.000062%); highest among the groups gnomAD compares: Non-Finnish European, 0.000085%; no homozygotes.

Submission:

Labcorp Genetics (formerly Invitae), Labcorp
Classification: Uncertain significance. Last evaluated: 2023-05-03. Review status: criteria provided, single submitter. Criteria: Invitae Variant Classification Sherloc (09022015). Collection method: clinical testing. Allele origin: germline.
Comment: This sequence change replaces methionine, which is neutral and non-polar, with isoleucine, which is neutral and non-polar, at codon 349 of the EFEMP1 protein (p.Met349Ile). In summary, the available evidence is currently insufficient to determine the role of this variant in disease. Therefore, it has been classified as a Variant of Uncertain Significance. Advanced modeling of protein sequence and biophysical properties (such as structural, functional, and spatial information, amino acid conservation, physicochemical variation, residue mobility, and thermodynamic stability) performed at Invitae indicates that this missense variant is not expected to disrupt EFEMP1 protein function. This variant has not been reported in the literature in individuals affected with EFEMP1-related conditions. This variant is not present in population databases (gnomAD no frequency).